The following is an entry in ClinVar:

NM_152383.5(DIS3L2):c.2476G>A (p.Glu826Lys)

Gene: DIS3L2 (DIS3 like 3'-5' exoribonuclease 2; plus strand). Cytogenetic location: 2q37.1.
Variant type: single nucleotide variant.
Coding change: c.2476G>A on transcript NM_152383.5 (MANE Select); coding-DNA position 2476, G replaced by A.
Protein change: p.Glu826Lys; replaces glutamic acid 826 with lysine.
Molecular consequence: missense variant. On other transcripts: non-coding transcript variant (2), intron variant (1).
Genome position (GRCh38, 1-based): chr2:232,335,854, G>A. VCF-style: chr2-232335854-G-A. GRCh37 (hg19) VCF-style: chr2-233200564-G-A.
Other names: c.1582-7491G>A (NM_001257281.2); short protein forms E826K.
Identifiers: ClinVar variation 1021327 (VCV001021327.9), dbSNP rs201189209, ClinGen allele CA2164552.

ClinVar aggregate classification (germline): Uncertain significance (1 of 4 stars; one submission).

Conditions:
Perlman syndrome (PRLMNS). Identifiers: Orphanet 2849, MedGen C0796113, MONDO:0009965, OMIM 267000.

Allele frequency attached by ClinVar (database versions not stated): gnomAD exomes 0.00001; ExAC 0.00005; 1000 Genomes Project 30x 0.00016; 1000 Genomes Project 0.00020.
gnomAD v4.1: 2 of 1,550,778 alleles (0.00013%); highest among the groups gnomAD compares: Non-Finnish European, 0.00017%; no homozygotes.

Submission:

Labcorp Genetics (formerly Invitae), Labcorp
Classification: Uncertain significance for Perlman syndrome. Last evaluated: 2022-04-10. Review status: criteria provided, single submitter. Criteria: Invitae Variant Classification Sherloc (09022015). Collection method: clinical testing. Allele origin: germline.
Comment: This variant is present in population databases (rs201189209, gnomAD 0.002%). This variant has not been reported in the literature in individuals affected with DIS3L2-related conditions. ClinVar contains an entry for this variant (Variation ID: 1021327). Algorithms developed to predict the effect of missense changes on protein structure and function (SIFT, PolyPhen-2, Align-GVGD) all suggest that this variant is likely to be tolerated. In summary, the available evidence is currently insufficient to determine the role of this variant in disease. Therefore, it has been classified as a Variant of Uncertain Significance. This sequence change replaces glutamic acid, which is acidic and polar, with lysine, which is basic and polar, at codon 826 of the DIS3L2 protein (p.Glu826Lys).